The following is an entry in ClinVar:

ClinVar aggregate classification (germline): Uncertain significance (1 of 4 stars; one submission).

Conditions:
Brugada syndrome 4 (BRGDA4). Identifiers: Orphanet 130, MedGen C2678477, MONDO:0012743, OMIM 611876.

Allele frequency attached by ClinVar (database versions not stated): gnomAD exomes below 0.00001; TOPMed below 0.00001; gnomAD 0.00001.

Submission:

Labcorp Genetics (formerly Invitae), Labcorp
Classification: Uncertain significance for Brugada syndrome 4. Last evaluated: 2021-06-14. Review status: criteria provided, single submitter. Criteria: Invitae Variant Classification Sherloc (09022015). Collection method: clinical testing. Allele origin: germline.
Comment: This sequence change replaces valine with isoleucine at codon 69 of the CACNB2 protein (p.Val69Ile). The valine residue is highly conserved and there is a small physicochemical difference between valine and isoleucine. This variant is not present in population databases (ExAC no frequency). This variant has not been reported in the literature in individuals with CACNB2-related conditions. Algorithms developed to predict the effect of missense changes on protein structure and function are either unavailable or do not agree on the potential impact of this missense change (SIFT: "Deleterious"; PolyPhen-2: "Benign"; Align-GVGD: "Class C0"). In summary, the available evidence is currently insufficient to determine the role of this variant in disease. Therefore, it has been classified as a Variant of Uncertain Significance.

NM_201596.3(CACNB2):c.367G>A (p.Val123Ile)

Gene: CACNB2 (calcium voltage-gated channel auxiliary subunit beta 2; plus strand). Cytogenetic location: 10p12.31.
Variant type: single nucleotide variant.
Coding change: c.367G>A on transcript NM_201596.3 (MANE Select); coding-DNA position 367, G replaced by A.
Protein change: p.Val123Ile; replaces valine 123 with isoleucine.
Molecular consequence: missense variant.
Genome position (GRCh38, 1-based): chr10:18,498,388, G>A. VCF-style: chr10-18498388-G-A. GRCh37 (hg19) VCF-style: chr10-18787317-G-A.
Other names: c.202G>A, p.Val68Ile (NM_000724.4, NM_001330060.2); c.283G>A, p.Val95Ile (NM_001167945.2, NM_201571.4, NM_201572.4); c.223G>A, p.Val75Ile (NM_201570.3); c.205G>A, p.Val69Ile (NM_201590.3); c.367G>A, p.Val123Ile (NM_201593.3, NM_201597.3); short protein forms V123I, V75I, V68I, V69I, V95I.
Identifiers: ClinVar variation 1447048 (VCV001447048.8), dbSNP rs1488807984, ClinGen allele CA376056702.